The following is an entry in ClinVar:

ClinVar aggregate classification (germline): Uncertain significance (1 of 4 stars; one submission).

Submission:

Ambry Genetics
Classification: Uncertain significance. Last evaluated: 2024-04-07. Review status: criteria provided, single submitter. Criteria: Ambry Variant Classification Scheme 2023. Collection method: clinical testing. Allele origin: germline.
Comment: The p.K103N variant (also known as c.309A>T), located in coding exon 2 of the MNDA gene, results from an A to T substitution at nucleotide position 309. The lysine at codon 103 is replaced by asparagine, an amino acid with similar properties. This amino acid position is conserved. In addition, this alteration is predicted to be tolerated by in silico analysis. Based on the available evidence, the clinical significance of this variant remains unclear.

NM_002432.3(MNDA):c.309A>T (p.Lys103Asn)

Gene: MNDA (myeloid cell nuclear differentiation antigen; plus strand). Cytogenetic location: 1q23.1.
Variant type: single nucleotide variant.
Coding change: c.309A>T on transcript NM_002432.3 (MANE Select); coding-DNA position 309, A replaced by T.
Protein change: p.Lys103Asn; replaces lysine 103 with asparagine.
Molecular consequence: missense variant.
Genome position (GRCh38, 1-based): chr1:158,843,322, A>T. VCF-style: chr1-158843322-A-T. GRCh37 (hg19) VCF-style: chr1-158813112-A-T.
Other names: short protein forms K103N.
Identifiers: ClinVar variation 3295435 (VCV003295435.1).